The following is an entry in ClinVar:

NM_020436.5(SALL4):c.593C>T (p.Ala198Val)

Gene: SALL4 (spalt like transcription factor 4; minus strand). Cytogenetic location: 20q13.2.
Variant type: single nucleotide variant.
Coding change: c.593C>T on transcript NM_020436.5 (MANE Select); coding-DNA position 593, C replaced by T.
Protein change: p.Ala198Val; replaces alanine 198 with valine.
Molecular consequence: missense variant.
Genome position (GRCh38, 1-based): chr20:51,791,890, G>A on the plus strand (C>T on the coding strand, the complement: SALL4 is on the minus strand). VCF-style: chr20-51791890-G-A. GRCh37 (hg19) VCF-style: chr20-50408429-G-A.
Other names: c.593C>T, p.Ala198Val (NM_001318031.2); short protein forms A198V.
Identifiers: ClinVar variation 2919129 (VCV002919129.6), dbSNP rs775663320, ClinGen allele CA9912428.

ClinVar aggregate classification (germline): Conflicting classifications of pathogenicity. Review status: criteria provided, conflicting classifications (1 of 4 stars). 4 submissions from 4 submitters: Uncertain significance (3); Likely benign (1). Last evaluated 2024-10-04.

Conditions:
Duane-radial ray syndrome (DRRS). Also called: ACRORENOOCULAR SYNDROME; DR SYNDROME; DUANE ANOMALY WITH RADIAL RAY ABNORMALITIES AND DEAFNESS; Duane-Radial Ray Syndrome (DRRS) / Okihiro Syndrome; Okihiro Syndrome; Duane-Radial Ray Syndrome/Okihiro Syndrome. Identifiers: Orphanet 93293, Orphanet 959, MedGen C1623209, MONDO:0011812, OMIM 607323. Disease mechanism: gain of function.
Oculootoradial syndrome (IVIC). Also called: RADIAL RAY DEFECTS, HEARING IMPAIRMENT, EXTERNAL OPHTHALMOPLEGIA, AND THROMBOCYTOPENIA; IVIC syndrome. Identifiers: Orphanet 2307, MedGen C1327918, MONDO:0007836, OMIM 147750.
Inborn genetic diseases. Identifiers: MedGen C0950123, MeSH D030342.

Allele frequency attached by ClinVar (database versions not stated): gnomAD 0.00001; TOPMed 0.00001; ExAC 0.00002; gnomAD exomes 0.00002.
gnomAD v4.1: 33 of 1,614,074 alleles (0.002%); highest among the groups gnomAD compares: Non-Finnish European, 0.0024%; no homozygotes.

Submissions (4):

Ambry Genetics
Classification: Uncertain significance for Inborn genetic diseases. Last evaluated: 2024-10-04. Review status: criteria provided, single submitter. Criteria: Ambry Variant Classification Scheme 2023. Collection method: clinical testing. Allele origin: germline.

Fulgent Genetics
Classification: Uncertain significance for Oculootoradial syndrome; Duane-radial ray syndrome. Last evaluated: 2024-06-18. Review status: criteria provided, single submitter. Criteria: ACMG Guidelines, 2015. Collection method: clinical testing. Allele origin: germline.

Labcorp Genetics (formerly Invitae), Labcorp
Classification: Uncertain significance for Duane-radial ray syndrome. Last evaluated: 2023-08-27. Review status: criteria provided, single submitter. Criteria: Invitae Variant Classification Sherloc (09022015). Collection method: clinical testing. Allele origin: germline.
Comment: In summary, the available evidence is currently insufficient to determine the role of this variant in disease. Therefore, it has been classified as a Variant of Uncertain Significance. Algorithms developed to predict the effect of missense changes on protein structure and function output the following: SIFT: "Not Available"; PolyPhen-2: "Benign"; Align-GVGD: "Not Available". The valine amino acid residue is found in multiple mammalian species, which suggests that this missense change does not adversely affect protein function. This variant has not been reported in the literature in individuals affected with SALL4-related conditions. This variant is present in population databases (rs775663320, gnomAD 0.006%). This sequence change replaces alanine, which is neutral and non-polar, with valine, which is neutral and non-polar, at codon 198 of the SALL4 protein (p.Ala198Val).

Blueprint Genetics
Classification: Likely benign. Last evaluated: 2021-12-29. Review status: criteria provided, single submitter. Criteria: ACMG Guidelines, 2015. Collection method: clinical testing. Allele origin: germline.